The following is an entry in ClinVar:

ClinVar aggregate classification (germline): Uncertain significance (1 of 4 stars; one submission).

Conditions:
Epileptic encephalopathy. Identifiers: MedGen C0543888, HP:0200134.

Allele frequency attached by ClinVar (database versions not stated): gnomAD exomes below 0.00001 and 0.00001; ExAC 0.00001; gnomAD 0.00001; TOPMed 0.00001.
gnomAD v4.1: 20 of 1,613,740 alleles (0.0012%); highest among the groups gnomAD compares: South Asian, 0.0033%; no homozygotes.

Submission:

Labcorp Genetics (formerly Invitae), Labcorp
Classification: Uncertain significance for Epileptic encephalopathy. Last evaluated: 2022-07-05. Review status: criteria provided, single submitter. Criteria: Invitae Variant Classification Sherloc (09022015). Collection method: clinical testing. Allele origin: germline.
Comment: This sequence change replaces proline, which is neutral and non-polar, with leucine, which is neutral and non-polar, at codon 3444 of the RYR3 protein (p.Pro3444Leu). This variant is present in population databases (rs777460190, gnomAD 0.003%). In summary, the available evidence is currently insufficient to determine the role of this variant in disease. Therefore, it has been classified as a Variant of Uncertain Significance. Algorithms developed to predict the effect of missense changes on protein structure and function are either unavailable or do not agree on the potential impact of this missense change (SIFT: "Deleterious"; PolyPhen-2: "Benign"; Align-GVGD: "Class C0"). ClinVar contains an entry for this variant (Variation ID: 654919). This variant has not been reported in the literature in individuals affected with RYR3-related conditions.

NM_001036.6(RYR3):c.10331C>T (p.Pro3444Leu)

Gene: RYR3 (ryanodine receptor 3; plus strand). Cytogenetic location: 15q14.
Variant type: single nucleotide variant.
Coding change: c.10331C>T on transcript NM_001036.6 (MANE Select); coding-DNA position 10331, C replaced by T.
Protein change: p.Pro3444Leu; replaces proline 3444 with leucine.
Molecular consequence: missense variant.
Genome position (GRCh38, 1-based): chr15:33,812,936, C>T. VCF-style: chr15-33812936-C-T. GRCh37 (hg19) VCF-style: chr15-34105137-C-T.
Other names: c.10316C>T, p.Pro3439Leu (NM_001243996.4); short protein forms P3444L, P3439L.
Identifiers: ClinVar variation 654919 (VCV000654919.10), dbSNP rs777460190, ClinGen allele CA7460808.
Genomic context (GRCh38, chr15:33,812,936, plus strand): 5'-CTGTAAAATGGCAACTGAACCTCTACAAGGATGTTCTGAAGAGTGAAGAACCTTTCAATC[C>T]GGAAAAGACAGTGGAGCGTGTGCAGAGAATTTCAGCAGCTGTCTTCCACCTGGAACAGGT-3'
Protein context (NP_001027.3, residues 3434-3454): DVLKSEEPFN[Pro3444Leu]EKTVERVQRI